The following is an entry in ClinVar:

NM_032977.4(CASP10):c.332G>C (p.Arg111Thr)

Gene: CASP10 (caspase 10; plus strand). Cytogenetic location: 2q33.1.
Variant type: single nucleotide variant.
Coding change: c.332G>C on transcript NM_032977.4 (MANE Select); coding-DNA position 332, G replaced by C.
Protein change: p.Arg111Thr; replaces arginine 111 with threonine.
Molecular consequence: missense variant.
Genome position (GRCh38, 1-based): chr2:201,186,109, G>C. VCF-style: chr2-201186109-G-C. GRCh37 (hg19) VCF-style: chr2-202050832-G-C.
Other names: c.332G>C, p.Arg111Thr (NM_001206524.2, NM_001206542.2, NM_001230.5 and 3 more transcripts); short protein forms R111T.
Identifiers: ClinVar variation 1351812 (VCV001351812.8), dbSNP rs199600895, ClinGen allele CA2052817.

ClinVar aggregate classification (germline): Uncertain significance (1 of 4 stars; one submission).

Conditions:
Autoimmune lymphoproliferative syndrome type 2A (ALPS2A). Also called: AUTOIMMUNE LYMPHOPROLIFERATIVE SYNDROME, TYPE IIA; Autoimmune lymphoproliferative syndrome type 2; CASP10-Related Autoimmune Lymphoproliferative Syndrome. Identifiers: Orphanet 3261, MedGen C1858968, MONDO:0011383, OMIM 603909.

Allele frequency attached by ClinVar (database versions not stated): gnomAD 0.00001; gnomAD exomes 0.00001; ExAC 0.00002; 1000 Genomes Project 30x 0.00016; 1000 Genomes Project 0.00020.
gnomAD v4.1: 21 of 1,611,890 alleles (0.0013%); highest among the groups gnomAD compares: East Asian, 0.045%; no homozygotes.

Submission:

Labcorp Genetics (formerly Invitae), Labcorp
Classification: Uncertain significance for Autoimmune lymphoproliferative syndrome type 2A. Last evaluated: 2024-11-22. Review status: criteria provided, single submitter. Criteria: Invitae Variant Classification Sherloc (09022015). Collection method: clinical testing. Allele origin: germline.
Comment: This sequence change replaces arginine, which is basic and polar, with threonine, which is neutral and polar, at codon 111 of the CASP10 protein (p.Arg111Thr). This variant is present in population databases (rs199600895, gnomAD 0.006%). This variant has not been reported in the literature in individuals affected with CASP10-related conditions. ClinVar contains an entry for this variant (Variation ID: 1351812). Invitae Evidence Modeling of protein sequence and biophysical properties (such as structural, functional, and spatial information, amino acid conservation, physicochemical variation, residue mobility, and thermodynamic stability) indicates that this missense variant is not expected to disrupt CASP10 protein function with a negative predictive value of 80%. In summary, the available evidence is currently insufficient to determine the role of this variant in disease. Therefore, it has been classified as a Variant of Uncertain Significance.